The following is an entry in ClinVar:

NM_147127.5(EVC2):c.1732G>A (p.Asp578Asn)

Gene: EVC2 (EvC ciliary complex subunit 2; minus strand). Cytogenetic location: 4p16.2.
Variant type: single nucleotide variant.
Coding change: c.1732G>A on transcript NM_147127.5 (MANE Select); coding-DNA position 1732, G replaced by A.
Protein change: p.Asp578Asn; replaces aspartic acid 578 with asparagine.
Molecular consequence: missense variant.
Genome position (GRCh38, 1-based): chr4:5,628,713, C>T on the plus strand (G>A on the coding strand, the complement: EVC2 is on the minus strand). VCF-style: chr4-5628713-C-T. GRCh37 (hg19) VCF-style: chr4-5630440-C-T.
Other names: c.1492G>A, p.Asp498Asn (NM_001166136.2); short protein forms D498N, D578N.
Identifiers: ClinVar variation 993914 (VCV000993914.47), dbSNP rs757316188, ClinGen allele CA2834946.
Genomic context (GRCh38, chr4:5,628,713, plus strand): 5'-GATATTCCCTGTGGCCAAATCTTTTACTTAGATGATACCTCTTACTAGCCTGGAAAAAGT[C>T]CATTAACTCTTCTACATTCTCCTGTCAATTAAAAAAAAAAACAAGAAAATATGCCTAATT-3'
Protein context (NP_667338.3, residues 568-588): KIQENVEELM[Asp578Asn]FFQASKRYHL

ClinVar aggregate classification (germline): Uncertain significance. Review status: criteria provided, multiple submitters, no conflicts (2 of 4 stars). 2 submissions from 2 submitters: Uncertain significance (2). Last evaluated 2022-10-19.

Conditions:
Ellis-van Creveld syndrome (EVC). Also called: EVC-Related Ellis-van Creveld Syndrome; EVC2-Related Ellis-van Creveld Syndrome; MESOECTODERMAL DYSPLASIA; Chondroectodermal dysplasia. Identifiers: Orphanet 289, MedGen C0013903, MONDO:0009162, OMIM 225500.
Curry-Hall syndrome (WAD). Also called: WEYERS ACRODENTAL DYSOSTOSIS. Identifiers: Orphanet 952, MedGen C0457013, MONDO:0008673, OMIM 193530.

Allele frequency attached by ClinVar (database versions not stated): gnomAD 0.00001; gnomAD exomes 0.00001; ExAC 0.00002; TOPMed 0.00002.
gnomAD v4.1: 11 of 1,611,954 alleles (0.00068%); highest among the groups gnomAD compares: East Asian, 0.0022%; no homozygotes.

Submissions (2):

Labcorp Genetics (formerly Invitae), Labcorp
Classification: Uncertain significance for Curry-Hall syndrome; Ellis-van Creveld syndrome. Last evaluated: 2022-10-19. Review status: criteria provided, single submitter. Criteria: Invitae Variant Classification Sherloc (09022015). Collection method: clinical testing. Allele origin: germline.
Comment: This sequence change replaces aspartic acid, which is acidic and polar, with asparagine, which is neutral and polar, at codon 578 of the EVC2 protein (p.Asp578Asn). This variant is present in population databases (rs757316188, gnomAD 0.03%). This variant has not been reported in the literature in individuals affected with EVC2-related conditions. ClinVar contains an entry for this variant (Variation ID: 993914). Algorithms developed to predict the effect of missense changes on protein structure and function are either unavailable or do not agree on the potential impact of this missense change (SIFT: "Deleterious"; PolyPhen-2: "Probably Damaging"; Align-GVGD: "Class C15"). In summary, the available evidence is currently insufficient to determine the role of this variant in disease. Therefore, it has been classified as a Variant of Uncertain Significance.

ARUP Laboratories, Molecular Genetics and Genomics, ARUP Laboratories
Classification: Uncertain significance. Last evaluated: 2020-07-02. Review status: criteria provided, single submitter. Criteria: ARUP Molecular Germline Variant Investigation Process. Collection method: clinical testing. Allele origin: germline.
Comment: The EVC2 c.1732G>A; p.Asp578Asn variant (rs757316188), to our knowledge, is not reported in the medical literature or gene specific databases. This variant is only observed on three alleles in the Genome Aggregation Database, indicating it is not a common polymorphism. The aspartic acid at codon 578 is highly conserved, and computational analyses (SIFT, PolyPhen-2) predict that this variant is deleterious. Due to limited information, the clinical significance of the p.Asp578Asn variant is uncertain at this time.